The following is an entry in ClinVar:

ClinVar aggregate classification (germline): Uncertain significance (1 of 4 stars; one submission).

Conditions:
Norman-Roberts syndrome (LIS2). Also called: Lissencephaly 2 (Norman-Roberts type). Identifiers: Orphanet 89844, MedGen C0796089, MONDO:0009760, OMIM 257320.
Familial temporal lobe epilepsy 7. Identifiers: Orphanet 101046, MedGen C4225327, MONDO:0014639, OMIM 616436.

Allele frequency attached by ClinVar (database versions not stated): gnomAD exomes 0.00001.
gnomAD v4.1: 4 of 1,613,968 alleles (0.00025%); highest among the groups gnomAD compares: East Asian, 0.0089%; no homozygotes.

Submission:

Labcorp Genetics (formerly Invitae), Labcorp
Classification: Uncertain significance for Familial temporal lobe epilepsy 7; Norman-Roberts syndrome. Last evaluated: 2023-11-27. Review status: criteria provided, single submitter. Criteria: Invitae Variant Classification Sherloc (09022015). Collection method: clinical testing. Allele origin: germline.
Comment: This sequence change replaces proline, which is neutral and non-polar, with leucine, which is neutral and non-polar, at codon 2241 of the RELN protein (p.Pro2241Leu). This variant is not present in population databases (gnomAD no frequency). This variant has not been reported in the literature in individuals affected with RELN-related conditions. ClinVar contains an entry for this variant (Variation ID: 1025133). Advanced modeling of protein sequence and biophysical properties (such as structural, functional, and spatial information, amino acid conservation, physicochemical variation, residue mobility, and thermodynamic stability) performed at Invitae indicates that this missense variant is not expected to disrupt RELN protein function with a negative predictive value of 80%. In summary, the available evidence is currently insufficient to determine the role of this variant in disease. Therefore, it has been classified as a Variant of Uncertain Significance.

NM_005045.4(RELN):c.6722C>T (p.Pro2241Leu)

Gene: RELN (reelin; minus strand). Cytogenetic location: 7q22.1.
Variant type: single nucleotide variant.
Coding change: c.6722C>T on transcript NM_005045.4 (MANE Select); coding-DNA position 6722, C replaced by T.
Protein change: p.Pro2241Leu; replaces proline 2241 with leucine.
Molecular consequence: missense variant.
Genome position (GRCh38, 1-based): chr7:103,540,405, G>A on the plus strand (C>T on the coding strand, the complement: RELN is on the minus strand). VCF-style: chr7-103540405-G-A. GRCh37 (hg19) VCF-style: chr7-103180852-G-A.
Other names: c.6722C>T, p.Pro2241Leu (NM_173054.3); short protein forms P2241L.
Identifiers: ClinVar variation 1025133 (VCV001025133.6), dbSNP rs1830152521, ClinGen allele CA368770091.